The following is an entry in ClinVar:

NM_004727.3(SLC24A1):c.2643GGA[4] (p.Glu889_Glu890del)

Gene: SLC24A1 (solute carrier family 24 member 1; plus strand). Cytogenetic location: 15q22.31.
Variant type: Microsatellite.
Coding change: c.2643GGA[4] on transcript NM_004727.3 (MANE Select); four copies in a row of the 3-base unit GGA starting at c.2643; the reference has six copies in a row; two copies, 6 bases deleted.
Protein change: p.Glu889_Glu890del.
Molecular consequence: inframe deletion.
Genome position (GRCh38, 1-based): chr15:65,650,804-65,650,809, GGAGGA deleted; deleting any 6 consecutive bases within chr15:65,650,790-65,650,809 gives the same sequence; the position shown is the placement nearest the transcript's 3' end. VCF-style (leftmost placement, unchanged base first): chr15-65650789-AGAGGAG-A. GRCh37 (hg19) VCF-style: chr15-65943127-AGAGGAG-A.
Other names: c.624GGA[4], p.Glu216_Glu217del (NM_001254740.2); c.2643GGA[4], p.Glu889_Glu890del (NM_001301031.1); c.2589GGA[4], p.Glu871_Glu872del (NM_001301032.1, NM_001301033.2).
Identifiers: ClinVar variation 1491062 (VCV001491062.6), dbSNP rs763504735, ClinGen allele CA7620174.

ClinVar aggregate classification (germline): Uncertain significance (1 of 4 stars; one submission).

Submission:

Labcorp Genetics (formerly Invitae), Labcorp
Classification: Uncertain significance. Last evaluated: 2026-01-12. Review status: criteria provided, single submitter. Criteria: Invitae Variant Classification Sherloc (09022015). Collection method: clinical testing. Allele origin: germline.
Comment: This variant, c.2655_2660del, results in the deletion of 2 amino acid(s) of the SLC24A1 protein (p.Glu889_Glu890del), but otherwise preserves the integrity of the reading frame. The frequency data for this variant in the population databases is considered unreliable, as metrics indicate poor data quality at this position in the gnomAD database. This variant has not been reported in the literature in individuals affected with SLC24A1-related conditions. Experimental studies and prediction algorithms are not available or were not evaluated, and the functional significance of this variant is currently unknown. In summary, the available evidence is currently insufficient to determine the role of this variant in disease. Therefore, it has been classified as a Variant of Uncertain Significance.